The following is an entry in ClinVar:

NM_001004334.4(GPR179):c.6244G>A (p.Gly2082Ser)

Gene: GPR179 (G protein-coupled receptor 179; minus strand). Cytogenetic location: 17q12.
Variant type: single nucleotide variant.
Coding change: c.6244G>A on transcript NM_001004334.4 (MANE Select); coding-DNA position 6244, G replaced by A.
Protein change: p.Gly2082Ser; replaces glycine 2082 with serine.
Molecular consequence: missense variant.
Genome position (GRCh38, 1-based): chr17:38,327,325, C>T on the plus strand (G>A on the coding strand, the complement: GPR179 is on the minus strand). VCF-style: chr17-38327325-C-T. GRCh37 (hg19) VCF-style: chr17-36483208-C-T.
Other names: short protein forms G2082S.
Identifiers: ClinVar variation 1513265 (VCV001513265.8), dbSNP rs2144254887, ClinGen allele CA398869855.

ClinVar aggregate classification (germline): Uncertain significance (1 of 4 stars; one submission).

Submission:

Labcorp Genetics (formerly Invitae), Labcorp
Classification: Uncertain significance. Last evaluated: 2021-01-08. Review status: criteria provided, single submitter. Criteria: Invitae Variant Classification Sherloc (09022015). Collection method: clinical testing. Allele origin: germline.
Comment: In summary, the available evidence is currently insufficient to determine the role of this variant in disease. Therefore, it has been classified as a Variant of Uncertain Significance. Algorithms developed to predict the effect of missense changes on protein structure and function output the following: SIFT: "Tolerated"; PolyPhen-2: "Benign"; Align-GVGD: "Class C0". The serine amino acid residue is found in multiple mammalian species, suggesting that this missense change does not adversely affect protein function. These predictions have not been confirmed by published functional studies and their clinical significance is uncertain. This variant has not been reported in the literature in individuals with GPR179-related conditions. This variant is not present in population databases (ExAC no frequency). This sequence change replaces glycine with serine at codon 2082 of the GPR179 protein (p.Gly2082Ser). The glycine residue is weakly conserved and there is a small physicochemical difference between glycine and serine.